The following is an entry in ClinVar:

NM_020338.4(ZMIZ1):c.1754T>C (p.Val585Ala)

Gene: ZMIZ1 (zinc finger MIZ-type containing 1; plus strand). Cytogenetic location: 10q22.3.
Variant type: single nucleotide variant.
Coding change: c.1754T>C on transcript NM_020338.4 (MANE Select); coding-DNA position 1754, T replaced by C.
Protein change: p.Val585Ala; replaces valine 585 with alanine.
Molecular consequence: missense variant.
Genome position (GRCh38, 1-based): chr10:79,299,137, T>C. VCF-style: chr10-79299137-T-C. GRCh37 (hg19) VCF-style: chr10-81058894-T-C.
Other names: short protein forms V585A.
Identifiers: ClinVar variation 3363632 (VCV003363632.2).

ClinVar aggregate classification (germline): Uncertain significance (1 of 4 stars; one submission).

Submission:

GeneDx
Classification: Uncertain significance. Last evaluated: 2026-09-25. Review status: criteria provided, single submitter. Criteria: GeneDx Variant Classification Process June 2021. Collection method: clinical testing. Allele origin: germline.
Comment: Not observed at significant frequency in large population cohorts (gnomAD); In silico analysis supports that this missense variant has a deleterious effect on protein structure/function; Has not been previously published as pathogenic or benign to our knowledge